The following is an entry in ClinVar:

NM_015062.5(PPRC1):c.4594G>C (p.Val1532Leu)

Gene: PPRC1 (PPARG related coactivator 1; plus strand). Cytogenetic location: 10q24.32.
Variant type: single nucleotide variant.
Coding change: c.4594G>C on transcript NM_015062.5 (MANE Select); coding-DNA position 4594, G replaced by C.
Protein change: p.Val1532Leu; replaces valine 1532 with leucine.
Molecular consequence: missense variant.
Genome position (GRCh38, 1-based): chr10:102,148,671, G>C. VCF-style: chr10-102148671-G-C. GRCh37 (hg19) VCF-style: chr10-103908428-G-C.
Other names: c.3802G>C, p.Val1268Leu (NM_001288727.2); c.4228G>C, p.Val1410Leu (NM_001288728.2); short protein forms V1268L, V1410L, V1532L.
Identifiers: ClinVar variation 3029527 (VCV003029527.2), dbSNP rs980612008, ClinGen allele CA377892024.

ClinVar aggregate classification (germline): Uncertain significance (0 of 4 stars; one submission).

Conditions:
PPRC1-related disorder. Also called: PPRC1-related condition.

Submission:

PreventionGenetics, part of Exact Sciences
Classification: Uncertain significance for PPRC1-related condition. Last evaluated: 2023-12-09. Review status: no assertion criteria provided. Collection method: clinical testing. Allele origin: germline.
Comment: The PPRC1 c.4594G>C variant is predicted to result in the amino acid substitution p.Val1532Leu. To our knowledge, this variant has not been reported in the literature or in a large population database, indicating this variant is rare. At this time, the clinical significance of this variant is uncertain due to the absence of conclusive functional and genetic evidence.